The following is an entry in ClinVar:

NM_000321.3(RB1):c.-140C>T

Gene: RB1 (RB transcriptional corepressor 1; plus strand). Cytogenetic location: 13q14.2.
Variant type: single nucleotide variant.
Coding change: c.-140C>T on transcript NM_000321.3 (MANE Select); 140 bases upstream of the start codon, C replaced by T.
Molecular consequence: 5 prime UTR variant.
Genome position (GRCh38, 1-based): chr13:48,303,773, C>T. VCF-style: chr13-48303773-C-T. GRCh37 (hg19) VCF-style: chr13-48877909-C-T.
Other names: c.-140C>T (NM_001407165.1, NM_001407166.1, NM_001407167.1).
Identifiers: ClinVar variation 3673329 (VCV003673329.2).

ClinVar aggregate classification (germline): Uncertain significance (1 of 4 stars; one submission).

Conditions:
Retinoblastoma (RB1). Also called: RETINOBLASTOMA, SOMATIC. Identifiers: Orphanet 790, MedGen C0035335, MeSH D012175, MONDO:0008380, OMIM 180200, HP:0009919. Disease mechanism: loss of function. Inheritance: Both sporadic and heritable forms are tested..

gnomAD v4.1: 3 of 1,297,252 alleles (0.00023%); highest among the groups gnomAD compares: Non-Finnish European, 0.0002%; no homozygotes.

Submission:

Labcorp Genetics (formerly Invitae), Labcorp
Classification: Uncertain significance for Retinoblastoma. Last evaluated: 2024-06-30. Review status: criteria provided, single submitter. Criteria: Invitae Variant Classification Sherloc (09022015). Collection method: clinical testing. Allele origin: germline.
Comment: This variant occurs in a non-coding region of the RB1 gene. It does not change the encoded amino acid sequence of the RB1 protein. This variant is not present in population databases (gnomAD no frequency). This variant has not been reported in the literature in individuals affected with RB1-related conditions. In summary, the available evidence is currently insufficient to determine the role of this variant in disease. Therefore, it has been classified as a Variant of Uncertain Significance.